The following is an entry in ClinVar:

ClinVar aggregate classification (germline): Conflicting classifications of pathogenicity. Review status: criteria provided, conflicting classifications (1 of 4 stars). 3 submissions from 3 submitters: Uncertain significance (1); Likely benign (1). 1 of the submissions does not count toward it. Last evaluated 2025-12-04.

Conditions:
Congenital disorder of glycosylation, type IIq. Also called: CDG IIq. Identifiers: Orphanet 435934, MedGen C4479353, MONDO:0054559, OMIM 617395.
COG2-related disorder. Also called: COG2-related condition.

Allele frequency attached by ClinVar (database versions not stated): ESP Exome Variant Server 0.00031; gnomAD 0.00058 and 0.00060; gnomAD exomes 0.00065; ExAC 0.00077; 1000 Genomes Project 30x 0.00078; TOPMed 0.00086; 1000 Genomes Project 0.00100.
gnomAD v4.1: 612 of 1,613,218 alleles (0.038%); highest among the groups gnomAD compares: Admixed American, 0.21%; 2 homozygotes.

Submissions (3):

Labcorp Genetics (formerly Invitae), Labcorp
Classification: Likely benign for Congenital disorder of glycosylation, type IIq. Last evaluated: 2025-12-04. Review status: criteria provided, single submitter. Criteria: Invitae Variant Classification Sherloc (09022015). Collection method: clinical testing. Allele origin: germline.

Women's Health and Genetics/Laboratory Corporation of America, LabCorp
Classification: Uncertain significance. Last evaluated: 2025-03-26. Review status: criteria provided, single submitter. Criteria: LabCorp Variant Classification Summary - May 2015. Collection method: clinical testing. Allele origin: germline.
Comment: Variant summary: COG2 c.218A>G (p.Asn73Ser) results in a conservative amino acid change in the encoded protein sequence. Four of five in-silico tools predict a benign effect of the variant on protein function. The variant allele was found at a frequency of 0.00065 in 250080 control chromosomes, predominantly at a frequency of 0.0022 within the Latino subpopulation in the gnomAD database. This frequency is not significantly higher than estimated for a pathogenic variant in COG2 causing Congenital Disorder Of Glycosylation, Type IIq, allowing no conclusion about variant significance. To our knowledge, no occurrence of c.218A>G in individuals affected with Congenital Disorder Of Glycosylation, Type IIq and no experimental evidence demonstrating its impact on protein function have been reported. ClinVar contains an entry for this variant (Variation ID: 718942). Based on the evidence outlined above, the variant was classified as uncertain significance.

PreventionGenetics, part of Exact Sciences
Classification: Likely benign for COG2-related condition. Last evaluated: 2022-05-20. Review status: no assertion criteria provided. Collection method: clinical testing. Allele origin: germline. Not counted in ClinVar's aggregate classification.
Comment: This variant is classified as likely benign based on ACMG/AMP sequence variant interpretation guidelines (Richards et al. 2015 PMID: 25741868, with internal and published modifications).

NM_007357.3(COG2):c.218A>G (p.Asn73Ser)

Gene: COG2 (component of oligomeric golgi complex 2; plus strand). Cytogenetic location: 1q42.2.
Variant type: single nucleotide variant.
Coding change: c.218A>G on transcript NM_007357.3 (MANE Select); coding-DNA position 218, A replaced by G.
Protein change: p.Asn73Ser; replaces asparagine 73 with serine.
Molecular consequence: missense variant.
Genome position (GRCh38, 1-based): chr1:230,659,609, A>G. VCF-style: chr1-230659609-A-G. GRCh37 (hg19) VCF-style: chr1-230795355-A-G.
Other names: c.218A>G, p.Asn73Ser (NM_001145036.2); short protein forms N73S.
Identifiers: ClinVar variation 718942 (VCV000718942.12), dbSNP rs201791868, ClinGen allele CA1447309.